The following is an entry in ClinVar:

ClinVar aggregate classification (germline): Uncertain significance. Review status: criteria provided, multiple submitters, no conflicts (2 of 4 stars). 3 submissions from 3 submitters: Uncertain significance (3). Last evaluated 2026-01-12.

Conditions:
Cardiovascular phenotype. Identifiers: MedGen CN230736.
Dilated cardiomyopathy 1J (CMD1J). Also called: CARDIOMYOPATHY, DILATED, WITH SENSORINEURAL HEARING LOSS, AUTOSOMAL DOMINANT. Identifiers: Orphanet 217622, MedGen C1854368, MONDO:0011541, OMIM 605362.

Allele frequency attached by ClinVar (database versions not stated): gnomAD 0.00003.
gnomAD v4.1: 6 of 1,612,162 alleles (0.00037%); highest among the groups gnomAD compares: African/African-American, 0.008%; no homozygotes.

Submissions (3):

Labcorp Genetics (formerly Invitae), Labcorp
Classification: Uncertain significance for Dilated cardiomyopathy 1J. Last evaluated: 2026-01-12. Review status: criteria provided, single submitter. Criteria: Invitae Variant Classification Sherloc (09022015). Collection method: clinical testing. Allele origin: germline.
Comment: This sequence change replaces arginine, which is basic and polar, with threonine, which is neutral and polar, at codon 508 of the EYA4 protein (p.Arg508Thr). This variant is present in population databases (rs543789215, gnomAD 0.02%). This variant has not been reported in the literature in individuals affected with EYA4-related conditions. ClinVar contains an entry for this variant (Variation ID: 1446174). Invitae Evidence Modeling of protein sequence and biophysical properties (such as structural, functional, and spatial information, amino acid conservation, physicochemical variation, residue mobility, and thermodynamic stability) indicates that this missense variant is expected to disrupt EYA4 protein function with a positive predictive value of 80%. In summary, the available evidence is currently insufficient to determine the role of this variant in disease. Therefore, it has been classified as a Variant of Uncertain Significance.

GeneDx
Classification: Uncertain significance. Last evaluated: 2024-12-10. Review status: criteria provided, single submitter. Criteria: GeneDx Variant Classification Process June 2021. Collection method: clinical testing. Allele origin: germline. Affected: yes.
Comment: In silico analysis supports that this missense variant has a deleterious effect on protein structure/function; Has not been previously published as pathogenic or benign to our knowledge

Ambry Genetics
Classification: Uncertain significance for Cardiovascular phenotype. Last evaluated: 2023-12-14. Review status: criteria provided, single submitter. Criteria: Ambry Variant Classification Scheme 2023. Collection method: clinical testing. Allele origin: germline.

NM_004100.5(EYA4):c.1523G>C (p.Arg508Thr)

Genes: TARID (TCF21 antisense RNA inducing promoter demethylation; minus strand), EYA4 (EYA transcriptional coactivator and phosphatase 4; plus strand). Cytogenetic location: 6q23.2.
Variant type: single nucleotide variant.
Coding change: c.1523G>C on transcript NM_004100.5 (MANE Select); coding-DNA position 1523, G replaced by C.
Protein change: p.Arg508Thr; replaces arginine 508 with threonine.
Molecular consequence: missense variant.
Genome position (GRCh38, 1-based): chr6:133,515,342, G>C. VCF-style: chr6-133515342-G-C. GRCh37 (hg19) VCF-style: chr6-133836480-G-C.
Other names: c.1361G>C, p.Arg454Thr (NM_001301012.2); c.1541G>C, p.Arg514Thr (NM_001301013.2); c.1454G>C, p.Arg485Thr (NM_001370458.1, NM_172103.4); c.1379G>C, p.Arg460Thr (NM_001370459.1); c.1523G>C, p.Arg508Thr (NM_172105.4); short protein forms R485T, R508T, R454T, R460T, R514T.
Identifiers: ClinVar variation 1446174 (VCV001446174.9), dbSNP rs543789215, ClinGen allele CA4008395.
Genomic context (GRCh38, chr6:133,515,342, plus strand): 5'-TTCATCTCTCGACTCTGCCTTGGTTTTTTGGTGTTGCAGGACTCCTTGGCCCTGCCAAGA[G>C]GGATGCCTGGCTACAGTTAAGGGCAGAGATTGAAGGTCTGACAGATTCCTGGCTAACAAA-3'
Protein context (NP_004091.3, residues 498-518): NVGGLLGPAK[Arg508Thr]DAWLQLRAEI